The following is an entry in ClinVar:

NM_014679.5(CEP57):c.1493G>T (p.Trp498Leu)

Gene: CEP57 (centrosomal protein 57; plus strand). Cytogenetic location: 11q21.
Variant type: single nucleotide variant.
Coding change: c.1493G>T on transcript NM_014679.5 (MANE Select); coding-DNA position 1493, G replaced by T.
Protein change: p.Trp498Leu; replaces tryptophan 498 with leucine.
Molecular consequence: missense variant.
Genome position (GRCh38, 1-based): chr11:95,831,246, G>T. VCF-style: chr11-95831246-G-T. GRCh37 (hg19) VCF-style: chr11-95564410-G-T.
Other names: c.1268G>T, p.Trp423Leu (NM_001440879.1); c.1232G>T, p.Trp411Leu (NM_001440880.1); c.1196G>T, p.Trp399Leu (NM_001440881.1); c.1190G>T, p.Trp397Leu (NM_001440882.1); c.1466G>T, p.Trp489Leu (NM_001243776.2); c.1415G>T, p.Trp472Leu (NM_001243777.2); c.1412G>T, p.Trp471Leu (NM_001363604.2, NM_001440869.1, NM_001440870.1); c.1385G>T, p.Trp462Leu (NM_001440871.1); and 6 more; short protein forms W397L, W399L, W411L, W423L, W432L, W433L, W435L, W436L.
Identifiers: ClinVar variation 4868768 (VCV004868768.1).
Genomic context (GRCh38, chr11:95,831,246, plus strand): 5'-TTCAGTTATTGAAGGACATGCAAAGCATACAGAATTCATTACAAAGCAGTAGTTTGTGTT[G>T]GGATTACTGACTCATAACCAGGTCAGAAATTTTATTCAGATAATCTGTACCTCATCAATC-3'
Protein context (NP_055494.2, residues 488-500): QNSLQSSSLC[Trp498Leu]DY

ClinVar aggregate classification (germline): Uncertain significance (1 of 4 stars; one submission).

Conditions:
Inborn genetic diseases. Identifiers: MedGen C0950123, MeSH D030342.

gnomAD v4.1: 1 of 1,610,016 alleles (0.000062%); highest among the groups gnomAD compares: Non-Finnish European, 0.000085%; no homozygotes.

Submission:

Ambry Genetics
Classification: Uncertain significance for Inborn genetic diseases. Last evaluated: 2026-05-14. Review status: criteria provided, single submitter. Criteria: Ambry Variant Classification Scheme 2023. Collection method: clinical testing. Allele origin: germline.
Comment: The p.W498L variant (also known as c.1493G>T), located in coding exon 11 of the CEP57 gene, results from a G to T substitution at nucleotide position 1493. The tryptophan at codon 498 is replaced by leucine, an amino acid with similar properties. This amino acid position is conserved. In addition, this alteration is predicted to be deleterious by in silico analysis. Based on the available evidence, the clinical significance of this variant remains unclear.